The following is an entry in ClinVar:

NM_019066.5(MAGEL2):c.2275C>T (p.Pro759Ser)

Gene: MAGEL2 (MAGE family member L2; minus strand). Cytogenetic location: 15q11.2.
Variant type: single nucleotide variant.
Coding change: c.2275C>T on transcript NM_019066.5 (MANE Select); coding-DNA position 2275, C replaced by T.
Protein change: p.Pro759Ser; replaces proline 759 with serine.
Molecular consequence: missense variant.
Genome position (GRCh38, 1-based): chr15:23,645,468, G>A on the plus strand (C>T on the coding strand, the complement: MAGEL2 is on the minus strand). VCF-style: chr15-23645468-G-A. GRCh37 (hg19) VCF-style: chr15-23890615-G-A.
Other names: short protein forms P759S.
Identifiers: ClinVar variation 3354209 (VCV003354209.1).
Genomic context (GRCh38, chr15:23,645,468, plus strand): 5'-TGGCAGGCAGGTTTTTCCAGGCAGCTGGCAGGTGTGCTCGCGCAGCTGACACTGCCTTGG[G>A]AGCACAGAAGGTGGCAGCAAAGATCATGCGGTCTTTTGAAGGGGCCCTGCGCTCCTTCGA-3'
Protein context (NP_061939.3, residues 749-769): RMIFAATFCA[Pro759Ser]KAVSAARAHL

ClinVar aggregate classification (germline): Uncertain significance (0 of 4 stars; one submission).

Conditions:
MAGEL2-related disorder. Also called: MAGEL2-related condition.

Submission:

PreventionGenetics, part of Exact Sciences
Classification: Uncertain significance for MAGEL2-related condition. Last evaluated: 2024-08-31. Review status: no assertion criteria provided. Collection method: clinical testing. Allele origin: germline.
Comment: The MAGEL2 c.2275C>T variant is predicted to result in the amino acid substitution p.Pro759Ser. To our knowledge, this variant has not been reported in the literature. This variant is reported in 0.0058% of alleles in individuals of Latino descent in gnomAD. At this time, the clinical significance of this variant is uncertain due to the absence of conclusive functional and genetic evidence.